The following is an entry in ClinVar:

ClinVar aggregate classification (germline): Uncertain significance. Review status: criteria provided, multiple submitters, no conflicts (2 of 4 stars). 2 submissions from 2 submitters: Uncertain significance (2). Last evaluated 2022-07-17.

Conditions:
Cardiovascular phenotype. Identifiers: MedGen CN230736.
Catecholaminergic polymorphic ventricular tachycardia 1. Also called: VENTRICULAR TACHYCARDIA, CATECHOLAMINERGIC POLYMORPHIC, 1, WITH OR WITHOUT ATRIAL DYSFUNCTION AND/OR DILATED CARDIOMYOPATHY; RYR2-Related Catecholaminergic Polymorphic Ventricular Tachycardia; VENTRICULAR TACHYCARDIA, STRESS-INDUCED POLYMORPHIC 1. Identifiers: Orphanet 3286, MedGen C1631597, MONDO:0011484, OMIM 604772.

Allele frequency attached by ClinVar (database versions not stated): gnomAD exomes below 0.00001; TOPMed below 0.00001; gnomAD 0.00001.
gnomAD v4.1: 2 of 1,570,712 alleles (0.00013%); highest among the groups gnomAD compares: African/African-American, 0.0014%; no homozygotes.

Submissions (2):

Ambry Genetics
Classification: Uncertain significance for Cardiovascular phenotype. Last evaluated: 2022-07-17. Review status: criteria provided, single submitter. Criteria: Ambry Variant Classification Scheme 2023. Collection method: clinical testing. Allele origin: germline.
Comment: The p.D676G variant (also known as c.2027A>G), located in coding exon 40 of the TRDN gene, results from an A to G substitution at nucleotide position 2027. The aspartic acid at codon 676 is replaced by glycine, an amino acid with similar properties. This amino acid position is conserved. In addition, this alteration is predicted to be tolerated by in silico analysis. Since supporting evidence is limited at this time, the clinical significance of this alteration remains unclear.

Labcorp Genetics (formerly Invitae), Labcorp
Classification: Uncertain significance for Catecholaminergic polymorphic ventricular tachycardia 1. Last evaluated: 2021-08-30. Review status: criteria provided, single submitter. Criteria: Invitae Variant Classification Sherloc (09022015). Collection method: clinical testing. Allele origin: germline.
Comment: This sequence change replaces aspartic acid with glycine at codon 676 of the TRDN protein (p.Asp676Gly). The aspartic acid residue is weakly conserved and there is a moderate physicochemical difference between aspartic acid and glycine. This variant is not present in population databases (ExAC no frequency). This variant has not been reported in the literature in individuals affected with TRDN-related conditions. Algorithms developed to predict the effect of missense changes on protein structure and function are either unavailable or do not agree on the potential impact of this missense change (SIFT: "Deleterious"; PolyPhen-2: "Possibly Damaging"; Align-GVGD: "Class C0"). Algorithms developed to predict the effect of sequence changes on RNA splicing suggest that this variant may create or strengthen a splice site. In summary, the available evidence is currently insufficient to determine the role of this variant in disease. Therefore, it has been classified as a Variant of Uncertain Significance.

NM_006073.4(TRDN):c.2027A>G (p.Asp676Gly)

Gene: TRDN (triadin; minus strand). Cytogenetic location: 6q22.31.
Variant type: single nucleotide variant.
Coding change: c.2027A>G on transcript NM_006073.4 (MANE Select); coding-DNA position 2027, A replaced by G.
Protein change: p.Asp676Gly; replaces aspartic acid 676 with glycine.
Molecular consequence: missense variant.
Genome position (GRCh38, 1-based): chr6:123,221,510, T>C on the plus strand (A>G on the coding strand, the complement: TRDN is on the minus strand). VCF-style: chr6-123221510-T-C. GRCh37 (hg19) VCF-style: chr6-123542655-T-C.
Other names: short protein forms D676G.
Identifiers: ClinVar variation 834805 (VCV000834805.10), dbSNP rs1775147117, ClinGen allele CA365565308.